The following is an entry in ClinVar:

NM_152393.4(KLHL40):c.395A>G (p.Asn132Ser)

Gene: KLHL40 (kelch like family member 40; plus strand). Cytogenetic location: 3p22.1.
Variant type: single nucleotide variant.
Coding change: c.395A>G on transcript NM_152393.4 (MANE Select); coding-DNA position 395, A replaced by G.
Protein change: p.Asn132Ser; replaces asparagine 132 with serine.
Molecular consequence: missense variant.
Genome position (GRCh38, 1-based): chr3:42,686,013, A>G. VCF-style: chr3-42686013-A-G. GRCh37 (hg19) VCF-style: chr3-42727505-A-G.
Other names: c.395A>G (NM_152393.2); short protein forms N132S.
Identifiers: ClinVar variation 579724 (VCV000579724.7), dbSNP rs767039942, ClinGen allele CA2336642.

ClinVar aggregate classification (germline): Uncertain significance. Review status: criteria provided, multiple submitters, no conflicts (2 of 4 stars). 3 submissions from 3 submitters: Uncertain significance (3). Last evaluated 2025-08-18.

Conditions:
Inborn genetic diseases. Identifiers: MedGen C0950123, MeSH D030342.
Nemaline myopathy 8 (NEM8). Also called: Nemaline myopathy 8, autosomal recessive. Identifiers: Orphanet 171430, MedGen C3809209, MONDO:0014138, OMIM 615348.

Allele frequency attached by ClinVar (database versions not stated): gnomAD exomes 0.00001; TOPMed 0.00001; ExAC 0.00002; gnomAD 0.00001.
gnomAD v4.1: 12 of 1,610,246 alleles (0.00075%); highest among the groups gnomAD compares: South Asian, 0.0022%; no homozygotes.

Submissions (3):

Labcorp Genetics (formerly Invitae), Labcorp
Classification: Uncertain significance for Nemaline myopathy 8. Last evaluated: 2025-08-18. Review status: criteria provided, single submitter. Criteria: Invitae Variant Classification Sherloc (09022015). Collection method: clinical testing. Allele origin: germline.
Comment: This sequence change replaces asparagine, which is neutral and polar, with serine, which is neutral and polar, at codon 132 of the KLHL40 protein (p.Asn132Ser). This variant is present in population databases (rs767039942, gnomAD 0.006%). This variant has not been reported in the literature in individuals affected with KLHL40-related conditions. ClinVar contains an entry for this variant (Variation ID: 579724). Invitae Evidence Modeling of protein sequence and biophysical properties (such as structural, functional, and spatial information, amino acid conservation, physicochemical variation, residue mobility, and thermodynamic stability) indicates that this missense variant is not expected to disrupt KLHL40 protein function with a negative predictive value of 80%. In summary, the available evidence is currently insufficient to determine the role of this variant in disease. Therefore, it has been classified as a Variant of Uncertain Significance.

Ambry Genetics
Classification: Uncertain significance for Inborn genetic diseases. Last evaluated: 2022-10-25. Review status: criteria provided, single submitter. Criteria: Ambry Variant Classification Scheme 2023. Collection method: clinical testing. Allele origin: germline.

Athena Diagnostics
Classification: Uncertain significance. Last evaluated: 2020-11-03. Review status: criteria provided, single submitter. Criteria: Athena Diagnostics criteria. Collection method: clinical testing. Allele origin: unknown.